The following is an entry in ClinVar:

ClinVar aggregate classification (germline): Conflicting classifications of pathogenicity. Review status: criteria provided, conflicting classifications (1 of 4 stars). 3 submissions from 3 submitters: Uncertain significance (2); Likely benign (1). Last evaluated 2025-09-22.

Conditions:
Dyskeratosis congenita, autosomal dominant 6 (DKCA6). Identifiers: Orphanet 3322, MedGen C4225284, MONDO:0014690, OMIM 616553.
Inborn genetic diseases. Identifiers: MedGen C0950123, MeSH D030342.

Allele frequency attached by ClinVar (database versions not stated): gnomAD exomes below 0.00001; gnomAD 0.00002; TOPMed 0.00002.

Submissions (3):

Ambry Genetics
Classification: Likely benign for Inborn genetic diseases. Last evaluated: 2025-09-22. Review status: criteria provided, single submitter. Criteria: Ambry Variant Classification Scheme 2023. Collection method: clinical testing. Allele origin: germline.

Labcorp Genetics (formerly Invitae), Labcorp
Classification: Uncertain significance for Dyskeratosis congenita, autosomal dominant 6. Last evaluated: 2023-05-21. Review status: criteria provided, single submitter. Criteria: Invitae Variant Classification Sherloc (09022015). Collection method: clinical testing. Allele origin: germline.
Comment: This sequence change replaces glycine, which is neutral and non-polar, with serine, which is neutral and polar, at codon 369 of the ACD protein (p.Gly369Ser). This variant is not present in population databases (gnomAD no frequency). This variant has not been reported in the literature in individuals affected with ACD-related conditions. ClinVar contains an entry for this variant (Variation ID: 1793614). Advanced modeling of protein sequence and biophysical properties (such as structural, functional, and spatial information, amino acid conservation, physicochemical variation, residue mobility, and thermodynamic stability) performed at Invitae indicates that this missense variant is not expected to disrupt ACD protein function. In summary, the available evidence is currently insufficient to determine the role of this variant in disease. Therefore, it has been classified as a Variant of Uncertain Significance.

Blueprint Genetics
Classification: Uncertain significance. Last evaluated: 2022-04-13. Review status: criteria provided, single submitter. Criteria: ACMG Guidelines, 2015. Collection method: clinical testing. Allele origin: germline.

NM_001082486.2(ACD):c.847G>A (p.Gly283Ser)

Gene: ACD (ACD shelterin complex subunit and telomerase recruitment factor; minus strand). Cytogenetic location: 16q22.1.
Variant type: single nucleotide variant.
Coding change: c.847G>A on transcript NM_001082486.2 (MANE Select); coding-DNA position 847, G replaced by A.
Protein change: p.Gly283Ser; replaces glycine 283 with serine.
Molecular consequence: missense variant.
Genome position (GRCh38, 1-based): chr16:67,658,345, C>T on the plus strand (G>A on the coding strand, the complement: ACD is on the minus strand). VCF-style: chr16-67658345-C-T. GRCh37 (hg19) VCF-style: chr16-67692248-C-T.
Other names: c.760G>A, p.Gly254Ser (NM_001410884.1); c.838G>A, p.Gly280Ser (NM_022914.3); short protein forms G254S, G283S, G280S.
Identifiers: ClinVar variation 1793614 (VCV001793614.9), dbSNP rs1260047390, ClinGen allele CA396353011.